The following is an entry in ClinVar:

NM_032776.3(JMJD1C):c.451G>A (p.Asp151Asn)

Gene: JMJD1C (jumonji domain containing 1C; minus strand). Cytogenetic location: 10q21.3.
Variant type: single nucleotide variant.
Coding change: c.451G>A on transcript NM_032776.3 (MANE Select); coding-DNA position 451, G replaced by A.
Protein change: p.Asp151Asn; replaces aspartic acid 151 with asparagine.
Molecular consequence: missense variant. On other transcripts: 5 prime UTR variant (3), intron variant (2).
Genome position (GRCh38, 1-based): chr10:63,219,980, C>T on the plus strand (G>A on the coding strand, the complement: JMJD1C is on the minus strand). VCF-style: chr10-63219980-C-T. GRCh37 (hg19) VCF-style: chr10-64979740-C-T.
Other names: c.-96G>A (NM_001282948.2, NM_001318154.2); c.-418G>A (NM_001318153.2); c.337G>A, p.Asp113Asn (NM_001322252.2); c.-104-2649G>A (NM_001322258.2, NM_001322254.2); short protein forms D113N, D151N.
Identifiers: ClinVar variation 1958610 (VCV001958610.5), dbSNP rs1848420085, ClinGen allele CA377054249.

ClinVar aggregate classification (germline): Uncertain significance (1 of 4 stars; one submission).

Conditions:
Early Myoclonic Encephalopathy. Identifiers: MedGen C0270855.

Allele frequency attached by ClinVar (database versions not stated): gnomAD exomes below 0.00001.
gnomAD v4.1: 3 of 1,609,188 alleles (0.00019%); highest among the groups gnomAD compares: Non-Finnish European, 0.00026%; no homozygotes.

Submission:

Labcorp Genetics (formerly Invitae), Labcorp
Classification: Uncertain significance for Early Myoclonic Encephalopathy. Last evaluated: 2022-08-23. Review status: criteria provided, single submitter. Criteria: Invitae Variant Classification Sherloc (09022015). Collection method: clinical testing. Allele origin: germline.
Comment: This sequence change replaces aspartic acid, which is acidic and polar, with asparagine, which is neutral and polar, at codon 151 of the JMJD1C protein (p.Asp151Asn). This variant is not present in population databases (gnomAD no frequency). This variant has not been reported in the literature in individuals affected with JMJD1C-related conditions. Algorithms developed to predict the effect of missense changes on protein structure and function are either unavailable or do not agree on the potential impact of this missense change (SIFT: "Deleterious"; PolyPhen-2: "Probably Damaging"; Align-GVGD: "Class C0"). In summary, the available evidence is currently insufficient to determine the role of this variant in disease. Therefore, it has been classified as a Variant of Uncertain Significance.